The following is an entry in ClinVar:

ClinVar aggregate classification (germline): Uncertain significance (1 of 4 stars; one submission).

Conditions:
2-aminoadipic 2-oxoadipic aciduria (AAKAD). Also called: ALPHA-AMINOADIPIC AND ALPHA-KETOADIPIC ACIDURIA; Aminoadipic aciduria. Identifiers: Orphanet 79154, MedGen C1859817, MONDO:0008774, OMIM 204750.

gnomAD v4.1: 1 of 1,614,076 alleles (0.000062%); highest among the groups gnomAD compares: Non-Finnish European, 0.000085%; no homozygotes.

Submission:

Labcorp Genetics (formerly Invitae), Labcorp
Classification: Uncertain significance for 2-aminoadipic 2-oxoadipic aciduria. Last evaluated: 2023-06-14. Review status: criteria provided, single submitter. Criteria: Invitae Variant Classification Sherloc (09022015). Collection method: clinical testing. Allele origin: germline.
Comment: In summary, the available evidence is currently insufficient to determine the role of this variant in disease. Therefore, it has been classified as a Variant of Uncertain Significance. Advanced modeling of protein sequence and biophysical properties (such as structural, functional, and spatial information, amino acid conservation, physicochemical variation, residue mobility, and thermodynamic stability) performed at Invitae indicates that this missense variant is expected to disrupt DHTKD1 protein function. This variant has not been reported in the literature in individuals affected with DHTKD1-related conditions. This variant is not present in population databases (gnomAD no frequency). This sequence change replaces glycine, which is neutral and non-polar, with aspartic acid, which is acidic and polar, at codon 597 of the DHTKD1 protein (p.Gly597Asp).

NM_018706.7(DHTKD1):c.1790G>A (p.Gly597Asp)

Gene: DHTKD1 (dehydrogenase E1 and transketolase domain containing 1; plus strand). Cytogenetic location: 10p14.
Variant type: single nucleotide variant.
Coding change: c.1790G>A on transcript NM_018706.7 (MANE Select); coding-DNA position 1790, G replaced by A.
Protein change: p.Gly597Asp; replaces glycine 597 with aspartic acid.
Molecular consequence: missense variant.
Genome position (GRCh38, 1-based): chr10:12,101,075, G>A. VCF-style: chr10-12101075-G-A. GRCh37 (hg19) VCF-style: chr10-12143074-G-A.
Other names: short protein forms G597D.
Identifiers: ClinVar variation 2999769 (VCV002999769.3), dbSNP rs2491496772, ClinGen allele CA376022405.